The following is an entry in ClinVar:

NM_012414.4(RAB3GAP2):c.3353A>T (p.Asp1118Val)

Gene: RAB3GAP2 (RAB3 GTPase activating non-catalytic protein subunit 2; minus strand). Cytogenetic location: 1q41.
Variant type: single nucleotide variant.
Coding change: c.3353A>T on transcript NM_012414.4 (MANE Select); coding-DNA position 3353, A replaced by T.
Protein change: p.Asp1118Val; replaces aspartic acid 1118 with valine.
Molecular consequence: missense variant.
Genome position (GRCh38, 1-based): chr1:220,157,472, T>A on the plus strand (A>T on the coding strand, the complement: RAB3GAP2 is on the minus strand). VCF-style: chr1-220157472-T-A. GRCh37 (hg19) VCF-style: chr1-220330814-T-A.
Other names: short protein forms D1118V.
Identifiers: ClinVar variation 1947473 (VCV001947473.2), dbSNP rs955220718, ClinGen allele CA37542881.

ClinVar aggregate classification (germline): Uncertain significance (1 of 4 stars; one submission).

Conditions:
Martsolf syndrome (MARTS). Also called: Congenital cataract with intellectual disability and hypogonadotropic hypogonadism syndrome. Identifiers: Orphanet 1387, MedGen C0796037, MONDO:0023910.
Warburg micro syndrome 2 (WARBM2). Also called: MICRO SYNDROME 2. Identifiers: Orphanet 2510, MedGen C3280214, MONDO:0013641, OMIM 614225.

Allele frequency attached by ClinVar (database versions not stated): gnomAD 0.00001.

Submission:

Labcorp Genetics (formerly Invitae), Labcorp
Classification: Uncertain significance for Martsolf syndrome; Warburg micro syndrome 2. Last evaluated: 2022-10-14. Review status: criteria provided, single submitter. Criteria: Invitae Variant Classification Sherloc (09022015). Collection method: clinical testing. Allele origin: germline.
Comment: This sequence change replaces aspartic acid, which is acidic and polar, with valine, which is neutral and non-polar, at codon 1118 of the RAB3GAP2 protein (p.Asp1118Val). This variant is present in population databases (no rsID available, gnomAD 0.002%). This variant has not been reported in the literature in individuals affected with RAB3GAP2-related conditions. Advanced modeling of protein sequence and biophysical properties (such as structural, functional, and spatial information, amino acid conservation, physicochemical variation, residue mobility, and thermodynamic stability) performed at Invitae indicates that this missense variant is not expected to disrupt RAB3GAP2 protein function. In summary, the available evidence is currently insufficient to determine the role of this variant in disease. Therefore, it has been classified as a Variant of Uncertain Significance.